The following is an entry in ClinVar:

ClinVar aggregate classification (germline): Conflicting classifications of pathogenicity. Review status: criteria provided, conflicting classifications (1 of 4 stars). 9 submissions from 9 submitters: Uncertain significance (5); Likely benign (3). 1 of the submissions does not count toward it. Last evaluated 2025-12-03.

Conditions:
Hereditary breast ovarian cancer syndrome. Also called: Hereditary breast and ovarian cancer syndrome; Breast and ovarian cancer; Hereditary breast and ovarian cancer; Hereditary breast and ovarian cancer syndrome (HBOC); BRCA1- and BRCA2-Associated Hereditary Breast and Ovarian Cancer; Hereditary breast and/or ovarian cancer syndrome. Identifiers: Orphanet 145, MedGen C0677776, MeSH D061325, MONDO:0003582. Disease mechanism: loss of function.
Breast and/or ovarian cancer. Identifiers: MedGen CN221562.
Fanconi anemia complementation group D1. Also called: BRCA2-Related Fanconi Anemia. Identifiers: Orphanet 319462, MedGen C1838457, MONDO:0011584, OMIM 605724.
Medulloblastoma (MDB). Also called: MEDULLOBLASTOMA PREDISPOSITION SYNDROME; Medulloblastoma, somatic. Identifiers: Orphanet 616, MedGen C0025149, MeSH D008527, MONDO:0007959, OMIM 155255, HP:0002885.
Prostate cancer. Also called: Malignant tumor of prostate. Identifiers: Orphanet 1331, MedGen C0376358, MONDO:0008315, HP:0012125.
Familial cancer of breast. Also called: hereditary breast carcinoma; BREAST CANCER, FAMILIAL; Hereditary breast cancer. Identifiers: Orphanet 227535, MedGen C0346153, MONDO:0016419, OMIM 114480. Disease mechanism: loss of function.
Breast-ovarian cancer, familial, susceptibility to, 2 (BROVCA2). Also called: BRCA2 Hereditary Breast and Ovarian Cancer. Identifiers: Orphanet 145, MedGen C2675520, MONDO:0012933, OMIM 612555. Disease mechanism: loss of function.
Wilms tumor 1 (WT1). Also called: Wilms tumor, somatic. Identifiers: Orphanet 654, MedGen CN033288, MONDO:0008679, OMIM 194070.
Pancreatic cancer, susceptibility to, 2. Identifiers: Orphanet 1333, MedGen C3150546, MONDO:0013235, OMIM 613347.
Glioma susceptibility 3 (GLM3). Also called: Glioblastoma 3. Identifiers: Orphanet 182067, Orphanet 360, MedGen C2751641, MONDO:0013093, OMIM 613029.
Hereditary cancer-predisposing syndrome. Also called: Hereditary neoplastic syndrome; Hereditary Cancer Syndrome; Neoplastic Syndromes, Hereditary; Tumor predisposition. Identifiers: Orphanet 140162, MedGen C0027672, MeSH D009386, MONDO:0015356.
Malignant tumor of breast. Also called: Malignant breast neoplasm; Cancer breast. Identifiers: MedGen C0006142, MONDO:0007254. Disease mechanism: loss of function.

Allele frequency attached by ClinVar (database versions not stated): TOPMed below 0.00001.
gnomAD v4.1: 1 of 1,613,828 alleles (0.000062%); highest among the groups gnomAD compares: Non-Finnish European, 0.000085%; no homozygotes.

Submissions (9):

Labcorp Genetics (formerly Invitae), Labcorp
Classification: Uncertain significance for Hereditary breast ovarian cancer syndrome. Last evaluated: 2025-12-03. Review status: criteria provided, single submitter. Criteria: Invitae Variant Classification Sherloc (09022015). Collection method: clinical testing. Allele origin: germline.
Comment: This sequence change replaces threonine, which is neutral and polar, with alanine, which is neutral and non-polar, at codon 1609 of the BRCA2 protein (p.Thr1609Ala). This variant is not present in population databases (gnomAD no frequency). This variant has not been reported in the literature in individuals affected with BRCA2-related conditions. ClinVar contains an entry for this variant (Variation ID: 231512). Invitae Evidence Modeling of protein sequence and biophysical properties (such as structural, functional, and spatial information, amino acid conservation, physicochemical variation, residue mobility, and thermodynamic stability) indicates that this missense variant is not expected to disrupt BRCA2 protein function with a negative predictive value of 95%. In summary, the available evidence is currently insufficient to determine the role of this variant in disease. Therefore, it has been classified as a Variant of Uncertain Significance.

Color Diagnostics, LLC DBA Color Health
Classification: Likely benign for Hereditary cancer-predisposing syndrome. Last evaluated: 2025-08-19. Review status: criteria provided, single submitter. Criteria: ACMG Guidelines, 2015. Collection method: clinical testing. Allele origin: germline.

GeneDx
Classification: Uncertain significance. Last evaluated: 2024-09-17. Review status: criteria provided, single submitter. Criteria: GeneDx Variant Classification Process June 2021. Collection method: clinical testing. Allele origin: germline. Affected: yes.
Comment: Observed in individuals who underwent multigene panel testing but their personal and family histories were not specified (PMID: 31853058); Not observed at significant frequency in large population cohorts (gnomAD); In silico analysis supports that this missense variant has a deleterious effect on protein structure/function; Also known as 5053A>G; This variant is associated with the following publications: (PMID: 29884841, 32377563, 31853058)

Ambry Genetics
Classification: Likely benign for Hereditary cancer-predisposing syndrome. Last evaluated: 2024-07-22. Review status: criteria provided, single submitter. Criteria: Ambry Variant Classification Scheme 2023. Collection method: clinical testing. Allele origin: germline.

University of Washington Department of Laboratory Medicine, University of Washington
Classification: Likely benign for Hereditary cancer-predisposing syndrome. Last evaluated: 2023-03-23. Review status: criteria provided, single submitter. Criteria: Dines et al. (Genet Med. 2020). Collection method: curation. Allele origin: germline.
Comment: Missense variant in a coldspot region where missense variants are very unlikely to be pathogenic (PMID:31911673).

BRCA2 exon 11 coldspot. Reclassification based on statistical prior probability.

CHEO Genetics Diagnostic Laboratory, Children's Hospital of Eastern Ontario
Classification: Uncertain significance for Breast and/or ovarian cancer. Last evaluated: 2022-01-18. Review status: criteria provided, single submitter. Criteria: ACMG Guidelines, 2015. Collection method: clinical testing. Allele origin: germline.

Quest Diagnostics Nichols Institute San Juan Capistrano
Classification: Uncertain significance. Last evaluated: 2020-01-23. Review status: criteria provided, single submitter. Criteria: Quest Diagnostics criteria. Collection method: clinical testing. Allele origin: unknown.

Fulgent Genetics
Classification: Uncertain significance for Familial cancer of breast; Medulloblastoma; Familial prostate cancer; Wilms tumor 1; Fanconi anemia complementation group D1; Breast-ovarian cancer, familial, susceptibility to, 2; Glioma susceptibility 3; Pancreatic cancer, susceptibility to, 2. Last evaluated: 2018-10-31. Review status: criteria provided, single submitter. Criteria: ACMG Guidelines, 2015. Collection method: clinical testing. Allele origin: unknown.

Department of Pathology and Laboratory Medicine, Sinai Health System
Classification: Uncertain significance for Malignant tumor of breast. Review status: no assertion criteria provided. Collection method: clinical testing. Allele origin: unknown. Affected: yes. Observed: 1 variant allele. Study: The Canadian Open Genetics Repository (COGR). Not counted in ClinVar's aggregate classification.
Comment: The BRCA2 p.Thr1609Ala variant was not identified in the literature nor was it identified in the LOVD 3.0 or UMD-LSDB databases. The variant was identified in dbSNP (ID: rs876659201) as "With Uncertain significance allele" and ClinVar (classified as uncertain significance by Invitae, Color and Ambry Genetics). The variant was not identified in the following control databases: the Exome Aggregation Consortium (August 8th 2016) or the Genome Aggregation Database (Feb 27, 2017). The p.Thr1609 residue is not conserved in mammals and four out of five computational analyses (PolyPhen-2, SIFT, AlignGVGD, BLOSUM, MutationTaster) do not suggest a high likelihood of impact to the protein; however, this information is not predictive enough to rule out pathogenicity. The variant occurs outside of the splicing consensus sequence and in silico or computational prediction software programs (SpliceSiteFinder, MaxEntScan, NNSPLICE, GeneSplicer) do not predict a difference in splicing. In summary, based on the above information, the clinical significance of this variant cannot be determined with certainty at this time. This variant is classified as a variant of uncertain significance.

NM_000059.4(BRCA2):c.4825A>G (p.Thr1609Ala)

Gene: BRCA2 (BRCA2 DNA repair associated; plus strand). Cytogenetic location: 13q13.1.
Variant type: single nucleotide variant.
Coding change: c.4825A>G on transcript NM_000059.4 (MANE Select); coding-DNA position 4825, A replaced by G.
Protein change: p.Thr1609Ala; replaces threonine 1609 with alanine.
Molecular consequence: missense variant.
Genome position (GRCh38, 1-based): chr13:32,339,180, A>G. VCF-style: chr13-32339180-A-G. GRCh37 (hg19) VCF-style: chr13-32913317-A-G.
Other names: short protein forms T1609A.
Identifiers: ClinVar variation 231512 (VCV000231512.28), dbSNP rs876659201, ClinGen allele CA10579635.